The following is an entry in ClinVar:

ClinVar aggregate classification (germline): Uncertain significance (1 of 4 stars; one submission).

Conditions:
Autosomal dominant nocturnal frontal lobe epilepsy 5. Also called: CILIARY DYSKINESIA, PRIMARY, 28, WITH SITUS INVERSUS; KCNT1-Related Epilepsy; CILIARY DYSKINESIA, PRIMARY, 28, WITHOUT SITUS INVERSUS; Epilepsy, nocturnal frontal lobe, 5. Identifiers: Orphanet 98784, MedGen C3554306, MONDO:0014002, OMIM 615005.
Developmental and epileptic encephalopathy, 14 (DEE14). Also called: Early infantile epileptic encephalopathy 14. Identifiers: Orphanet 293181, MedGen C3554195, MONDO:0013989, OMIM 614959.

Allele frequency attached by ClinVar (database versions not stated): gnomAD exomes below 0.00001.
gnomAD v4.1: 2 of 1,612,926 alleles (0.00012%); highest among the groups gnomAD compares: Non-Finnish European, 0.00017%; no homozygotes.

Submission:

Labcorp Genetics (formerly Invitae), Labcorp
Classification: Uncertain significance for Autosomal dominant nocturnal frontal lobe epilepsy 5; Developmental and epileptic encephalopathy, 14. Last evaluated: 2021-12-03. Review status: criteria provided, single submitter. Criteria: Invitae Variant Classification Sherloc (09022015). Collection method: clinical testing. Allele origin: germline.
Comment: This sequence change replaces leucine, which is neutral and non-polar, with valine, which is neutral and non-polar, at codon 942 of the KCNT1 protein (p.Leu942Val). This variant is not present in population databases (gnomAD no frequency). This variant has not been reported in the literature in individuals affected with KCNT1-related conditions. Algorithms developed to predict the effect of missense changes on protein structure and function are either unavailable or do not agree on the potential impact of this missense change (SIFT: "Tolerated"; PolyPhen-2: "Possibly Damaging"; Align-GVGD: "Class C0"). In summary, the available evidence is currently insufficient to determine the role of this variant in disease. Therefore, it has been classified as a Variant of Uncertain Significance.

NM_020822.3(KCNT1):c.2824C>G (p.Leu942Val)

Gene: KCNT1 (potassium sodium-activated channel subfamily T member 1; plus strand). Cytogenetic location: 9q34.3.
Variant type: single nucleotide variant.
Coding change: c.2824C>G on transcript NM_020822.3 (MANE Select); coding-DNA position 2824, C replaced by G.
Protein change: p.Leu942Val; replaces leucine 942 with valine.
Molecular consequence: missense variant.
Genome position (GRCh38, 1-based): chr9:135,779,453, C>G. VCF-style: chr9-135779453-C-G. GRCh37 (hg19) VCF-style: chr9-138671299-C-G.
Other names: c.2689C>G, p.Leu897Val (NM_001272003.2); short protein forms L942V, L897V.
Identifiers: ClinVar variation 1386861 (VCV001386861.6), dbSNP rs1833442352, ClinGen allele CA375515715.
Genomic context (GRCh38, chr9:135,779,453, plus strand): 5'-ACCCACCCTTCCAACATGCGCTTCATGCAGTTCCGCGCCAAGGACAGCTACTCTCTGGCT[C>G]TTTCCAAACTAGAAAAGGTGAGCAGCCCTGCCCCGTGCCAGCTGCCACCCCAGAATCCCA-3'
Protein context (NP_065873.2, residues 932-952): FRAKDSYSLA[Leu942Val]SKLEKREREN